The following is an entry in ClinVar:

ClinVar aggregate classification (germline): Uncertain significance (1 of 4 stars; one submission).

Conditions:
Inborn genetic diseases. Identifiers: MedGen C0950123, MeSH D030342.

Submission:

Ambry Genetics
Classification: Uncertain significance for Inborn genetic diseases. Last evaluated: 2023-09-10. Review status: criteria provided, single submitter. Criteria: Ambry Variant Classification Scheme 2023. Collection method: clinical testing. Allele origin: germline.
Comment: The p.T478S variant (also known as c.1432A>T), located in coding exon 11 of the BUB1B gene, results from an A to T substitution at nucleotide position 1432. The threonine at codon 478 is replaced by serine, an amino acid with similar properties. This amino acid position is conserved. In addition, this alteration is predicted to be tolerated by in silico analysis. Since supporting evidence is limited at this time, the clinical significance of this alteration remains unclear.

NM_001211.6(BUB1B):c.1432A>T (p.Thr478Ser)

Gene: BUB1B (BUB1 mitotic checkpoint serine/threonine kinase B; plus strand). Cytogenetic location: 15q15.1.
Variant type: single nucleotide variant.
Coding change: c.1432A>T on transcript NM_001211.6 (MANE Select); coding-DNA position 1432, A replaced by T.
Protein change: p.Thr478Ser; replaces threonine 478 with serine.
Molecular consequence: missense variant.
Genome position (GRCh38, 1-based): chr15:40,200,274, A>T. VCF-style: chr15-40200274-A-T. GRCh37 (hg19) VCF-style: chr15-40492475-A-T.
Other names: short protein forms T478S.
Identifiers: ClinVar variation 2585937 (VCV002585937.2), dbSNP rs1015397777, ClinGen allele CA391689750.